The following is an entry in ClinVar:

ClinVar aggregate classification (germline): Uncertain significance (1 of 4 stars; one submission).

Allele frequency attached by ClinVar (database versions not stated): TOPMed 0.00001; ExAC 0.00003; gnomAD 0.00003; gnomAD exomes 0.00005.

Submission:

Labcorp Genetics (formerly Invitae), Labcorp
Classification: Uncertain significance. Last evaluated: 2022-10-05. Review status: criteria provided, single submitter. Criteria: Invitae Variant Classification Sherloc (09022015). Collection method: clinical testing. Allele origin: germline.
Comment: In summary, the available evidence is currently insufficient to determine the role of this variant in disease. Therefore, it has been classified as a Variant of Uncertain Significance. Algorithms developed to predict the effect of missense changes on protein structure and function output the following: SIFT: "Tolerated"; PolyPhen-2: "Benign"; Align-GVGD: "Class C0". The threonine amino acid residue is found in multiple mammalian species, which suggests that this missense change does not adversely affect protein function. ClinVar contains an entry for this variant (Variation ID: 1444595). This variant has not been reported in the literature in individuals affected with LAT-related conditions. This variant is present in population databases (rs762752952, gnomAD 0.03%). This sequence change replaces alanine, which is neutral and non-polar, with threonine, which is neutral and polar, at codon 209 of the LAT protein (p.Ala209Thr).

NM_001014987.2(LAT):c.625G>A (p.Ala209Thr)

Gene: LAT (linker for activation of T cells; plus strand). Cytogenetic location: 16p11.2.
Variant type: single nucleotide variant.
Coding change: c.625G>A on transcript NM_001014987.2 (MANE Select); coding-DNA position 625, G replaced by A.
Protein change: p.Ala209Thr; replaces alanine 209 with threonine.
Molecular consequence: missense variant.
Genome position (GRCh38, 1-based): chr16:28,989,935, G>A. VCF-style: chr16-28989935-G-A. GRCh37 (hg19) VCF-style: chr16-29001256-G-A.
Other names: c.622G>A, p.Ala208Thr (NM_001014988.2); c.733G>A, p.Ala245Thr (NM_001014989.2); c.712G>A, p.Ala238Thr (NM_014387.4); short protein forms A209T, A238T, A245T, A208T.
Identifiers: ClinVar variation 1444595 (VCV001444595.4), dbSNP rs762752952, ClinGen allele CA7990113.